The following is an entry in ClinVar:

NM_005076.5(CNTN2):c.2513A>C (p.Gln838Pro)

Gene: CNTN2 (contactin 2; plus strand). Cytogenetic location: 1q32.1.
Variant type: single nucleotide variant.
Coding change: c.2513A>C on transcript NM_005076.5 (MANE Select); coding-DNA position 2513, A replaced by C.
Protein change: p.Gln838Pro; replaces glutamine 838 with proline.
Molecular consequence: missense variant. On other transcripts: non-coding transcript variant (1).
Genome position (GRCh38, 1-based): chr1:205,070,507, A>C. VCF-style: chr1-205070507-A-C. GRCh37 (hg19) VCF-style: chr1-205039635-A-C.
Other names: c.2513A>C, p.Gln838Pro (NM_001346083.2); short protein forms Q838P.
Identifiers: ClinVar variation 957284 (VCV000957284.9), dbSNP rs1654537849, ClinGen allele CA344380535.
Genomic context (GRCh38, chr1:205,070,507, plus strand): 5'-AGGTGTGGGCCAAAGGGGTCTCATCCTCAGAGATGAACGTGACCTGGGAACCCGTGCAGC[A>C]GGACATGAATGGTATCCTCCTGGGGTATGAGGTGAGCACCAACCTGGGACTTGGGAGAGG-3'
Protein context (NP_005067.1, residues 828-848): EMNVTWEPVQ[Gln838Pro]DMNGILLGYE

ClinVar aggregate classification (germline): Uncertain significance (1 of 4 stars; one submission).

Conditions:
Epilepsy, familial adult myoclonic, 5 (EPEO5). Also called: CORTICAL MYOCLONIC TREMOR WITH EPILEPSY, FAMILIAL, 5. Identifiers: Orphanet 86814, MedGen C3809374, MONDO:0014167, OMIM 615400.

Allele frequency attached by ClinVar (database versions not stated): TOPMed below 0.00001.

Submission:

Labcorp Genetics (formerly Invitae), Labcorp
Classification: Uncertain significance for Epilepsy, familial adult myoclonic, 5. Last evaluated: 2019-09-23. Review status: criteria provided, single submitter. Criteria: Invitae Variant Classification Sherloc (09022015). Collection method: clinical testing. Allele origin: germline.
Comment: Algorithms developed to predict the effect of missense changes on protein structure and function are either unavailable or do not agree on the potential impact of this missense change (SIFT: "Deleterious"; PolyPhen-2: "Benign"; Align-GVGD: "Class C65"). In summary, the available evidence is currently insufficient to determine the role of this variant in disease. Therefore, it has been classified as a Variant of Uncertain Significance. This variant has not been reported in the literature in individuals with CNTN2-related conditions. This variant is not present in population databases (ExAC no frequency). This sequence change replaces glutamine with proline at codon 838 of the CNTN2 protein (p.Gln838Pro). The glutamine residue is highly conserved and there is a moderate physicochemical difference between glutamine and proline.